The following is an entry in ClinVar:

NM_080632.3(UPF3B):c.332G>A (p.Arg111Lys)

Gene: UPF3B (UPF3B regulator of nonsense mediated mRNA decay; minus strand). Cytogenetic location: Xq24.
Variant type: single nucleotide variant.
Coding change: c.332G>A on transcript NM_080632.3 (MANE Select); coding-DNA position 332, G replaced by A.
Protein change: p.Arg111Lys; replaces arginine 111 with lysine.
Molecular consequence: missense variant.
Genome position (GRCh38, 1-based): chrX:119,851,533, C>T on the plus strand (G>A on the coding strand, the complement: UPF3B is on the minus strand). VCF-style: chrX-119851533-C-T. GRCh37 (hg19) VCF-style: chrX-118985496-C-T.
Other names: c.332G>A, p.Arg111Lys (NM_023010.4); short protein forms R111K.
Identifiers: ClinVar variation 2763932 (VCV002763932.3), dbSNP rs2521573623, ClinGen allele CA414185288.

ClinVar aggregate classification (germline): Uncertain significance (1 of 4 stars; one submission).

Conditions:
Intellectual developmental disorder, X-linked, syndromic 14. Also called: Syndromic X-linked intellectual disability 14. Identifiers: Orphanet 776, MedGen C1970822, MONDO:0010398, OMIM 300676.

Submission:

Labcorp Genetics (formerly Invitae), Labcorp
Classification: Uncertain significance for Intellectual developmental disorder, X-linked, syndromic 14. Last evaluated: 2023-09-27. Review status: criteria provided, single submitter. Criteria: Invitae Variant Classification Sherloc (09022015). Collection method: clinical testing. Allele origin: germline.
Comment: In summary, the available evidence is currently insufficient to determine the role of this variant in disease. Therefore, it has been classified as a Variant of Uncertain Significance. Advanced modeling of protein sequence and biophysical properties (such as structural, functional, and spatial information, amino acid conservation, physicochemical variation, residue mobility, and thermodynamic stability) performed at Invitae indicates that this missense variant is not expected to disrupt UPF3B protein function. This variant has not been reported in the literature in individuals affected with UPF3B-related conditions. This variant is not present in population databases (gnomAD no frequency). This sequence change replaces arginine, which is basic and polar, with lysine, which is basic and polar, at codon 111 of the UPF3B protein (p.Arg111Lys).